The following is an entry in ClinVar:

ClinVar aggregate classification (germline): Pathogenic (1 of 4 stars; one submission).

Submission:

Labcorp Genetics (formerly Invitae), Labcorp
Classification: Pathogenic. Last evaluated: 2023-02-14. Review status: criteria provided, single submitter. Criteria: Invitae Variant Classification Sherloc (09022015). Collection method: clinical testing. Allele origin: germline.
Comment: For these reasons, this variant has been classified as Pathogenic. This variant has not been reported in the literature in individuals affected with USH2A-related conditions. This variant is not present in population databases (gnomAD no frequency). This sequence change creates a premature translational stop signal (p.Phe78Serfs*67) in the USH2A gene. It is expected to result in an absent or disrupted protein product. Loss-of-function variants in USH2A are known to be pathogenic (PMID: 10729113, 10909849, 20507924, 25649381).

Literature cited by the submitters: PubMed 10729113; PubMed 10909849; PubMed 20507924; PubMed 25649381.

NM_206933.4(USH2A):c.233del (p.Phe78fs)

Gene: USH2A (usherin; minus strand). Cytogenetic location: 1q41.
Variant type: Deletion.
Coding change: c.233del on transcript NM_206933.4 (MANE Select); coding-DNA position 233, one base deleted (T; older notation c.233delT).
Protein change: p.Phe78fs; shifts the reading frame from phenylalanine 78.
Molecular consequence: frameshift variant.
Genome position (GRCh38, 1-based): chr1:216,422,104, A deleted on the plus strand (T on the coding strand, the reverse complement: USH2A is on the minus strand); the first of 2 consecutive A bases (chr1:216,422,104-216,422,105); deleting either gives the same sequence. VCF-style (leftmost placement, unchanged base first): chr1-216422103-GA-G. GRCh37 (hg19) VCF-style: chr1-216595445-GA-G.
Other names: c.233del, p.Phe78fs (NM_007123.6); short protein forms F78fs.
Identifiers: ClinVar variation 2837287 (VCV002837287.3), dbSNP rs2527654728, ClinGen allele CA2739275662.